The following is an entry in ClinVar:

NM_000257.4(MYH7):c.2181A>G (p.Pro727=)

Gene: MYH7 (myosin heavy chain 7; minus strand). Cytogenetic location: 14q11.2.
Variant type: single nucleotide variant.
Coding change: c.2181A>G on transcript NM_000257.4 (MANE Select); coding-DNA position 2181, A replaced by G.
Protein change: p.Pro727=; no amino-acid change (proline 727 retained).
Molecular consequence: synonymous variant.
Genome position (GRCh38, 1-based): chr14:23,425,800, T>C on the plus strand (A>G on the coding strand, the complement: MYH7 is on the minus strand). VCF-style: chr14-23425800-T-C. GRCh37 (hg19) VCF-style: chr14-23895009-T-C.
Other names: P727P.
Identifiers: ClinVar variation 132912 (VCV000132912.2), dbSNP rs606231336, ClinGen allele CA011889.

ClinVar aggregate classification (germline): Uncertain significance (0 of 4 stars; one submission).

Conditions:
Familial cardiomyopathy. Identifiers: MedGen C0264789, MONDO:0005217.

Allele frequency attached by ClinVar (database versions not stated): gnomAD exomes below 0.00001; ExAC 0.00001.

Submission:

Evolutionary and Medical Genetics Laboratory,  Centre for Cellular and Molecular Biology
Classification: Uncertain significance. Review status: no assertion criteria provided. Collection method: not provided. Allele origin: unknown.
Comment: Synonymous
ClinVar note: Converted during submission from unknown to Uncertain significance.